The following is an entry in ClinVar:

ClinVar aggregate classification (germline): Conflicting classifications of pathogenicity. Review status: criteria provided, conflicting classifications (1 of 4 stars). 8 submissions from 8 submitters: Likely pathogenic (1); Uncertain significance (7). Last evaluated 2025-05-29.

Conditions:
Wilson disease (WND). Also called: Wilson's disease. Identifiers: Orphanet 905, MedGen C0019202, MONDO:0010200, OMIM 277900. Disease mechanism: loss of function.
ATP7B-related disorder. Also called: ATP7B-related condition.

gnomAD v4.1: 24 of 1,614,108 alleles (0.0015%); highest among the groups gnomAD compares: Middle Eastern, 0.033%; no homozygotes.

Submissions (8):

PreventionGenetics, part of Exact Sciences
Classification: Uncertain significance for ATP7B-related condition. Last evaluated: 2025-05-29. Review status: criteria provided, single submitter. Criteria: ACMG Guidelines, 2015. Collection method: clinical testing. Allele origin: germline.
Comment: The ATP7B c.3671G>A variant is predicted to result in the amino acid substitution p.Arg1224Gln. To our knowledge, this variant has not been reported in the literature. This variant is reported in 0.011% of alleles in individuals of East Asian descent in gnomAD. At this time, the clinical significance of this variant is uncertain due to the absence of conclusive functional and genetic evidence.

Fulgent Genetics
Classification: Uncertain significance for Wilson disease. Last evaluated: 2024-01-31. Review status: criteria provided, single submitter. Criteria: ACMG Guidelines, 2015. Collection method: clinical testing. Allele origin: germline.

All of Us Research Program, National Institutes of Health
Classification: Uncertain significance for Wilson disease. Last evaluated: 2023-10-27. Review status: criteria provided, single submitter. Criteria: ACMG Guidelines, 2015. Collection method: clinical testing. Allele origin: germline. Inheritance: Autosomal recessive inheritance. Observed: 3 variant alleles, 3 heterozygotes.
Comment: This missense variant replaces arginine with glutamine at codon 1224 of the ATP7B protein. Computational prediction is inconclusive regarding the impact of this variant on protein structure and function (internally defined REVEL score threshold 0.5 < inconclusive < 0.7, PMID: 27666373). To our knowledge, functional studies have not been reported for this variant. This variant has not been reported in individuals affected with ATP7B-related disorders in the literature. This variant has been identified in 3/249586 chromosomes in the general population by the Genome Aggregation Database (gnomAD). The available evidence is insufficient to determine the role of this variant in disease conclusively. Therefore, this variant is classified as a Variant of Uncertain Significance.

This study involves interpretation of variants in research participants for the purpose of population health screening. Participant phenotype was not available at the time of variant classification. Additional details can be found in publication PMID: 35346344, PMCID: PMC8962531

Color Diagnostics, LLC DBA Color Health
Classification: Uncertain significance for Wilson disease. Last evaluated: 2022-12-12. Review status: criteria provided, single submitter. Criteria: ACMG Guidelines, 2015. Collection method: clinical testing. Allele origin: germline.
Comment: This missense variant replaces arginine with glutamine at codon 1224 of the ATP7B protein. Computational prediction is inconclusive regarding the impact of this variant on protein structure and function. To our knowledge, functional studies have not been reported for this variant. This variant has not been reported in individuals affected with ATP7B-related disorders in the literature. This variant has been identified in 3/249586 chromosomes in the general population by the Genome Aggregation Database (gnomAD). The available evidence is insufficient to determine the role of this variant in disease conclusively. Therefore, this variant is classified as a Variant of Uncertain Significance.

GeneDx
Classification: Uncertain significance. Last evaluated: 2022-07-21. Review status: criteria provided, single submitter. Criteria: GeneDx Variant Classification Process June 2021. Collection method: clinical testing. Allele origin: germline. Affected: yes.
Comment: Not observed at significant frequency in large population cohorts (gnomAD); In silico analysis supports that this missense variant does not alter protein structure/function; Has not been previously published as pathogenic or benign to our knowledge

Labcorp Genetics (formerly Invitae), Labcorp
Classification: Uncertain significance for Wilson disease. Last evaluated: 2022-05-13. Review status: criteria provided, single submitter. Criteria: Invitae Variant Classification Sherloc (09022015). Collection method: clinical testing. Allele origin: germline.
Comment: This sequence change replaces arginine, which is basic and polar, with glutamine, which is neutral and polar, at codon 1224 of the ATP7B protein (p.Arg1224Gln). This variant is present in population databases (rs532177115, gnomAD 0.01%). This variant has not been reported in the literature in individuals affected with ATP7B-related conditions. Algorithms developed to predict the effect of missense changes on protein structure and function are either unavailable or do not agree on the potential impact of this missense change (SIFT: "Deleterious"; PolyPhen-2: "Probably Damaging"; Align-GVGD: "Class C0"). In summary, the available evidence is currently insufficient to determine the role of this variant in disease. Therefore, it has been classified as a Variant of Uncertain Significance.

Juno Genomics, Hangzhou Juno Genomics, Inc
Classification: Uncertain significance for Wilson disease. Review status: criteria provided, single submitter. Criteria: ACMG Guidelines, 2015. Collection method: clinical testing. Allele origin: germline.
Comment: Absent from controls (or at extremely low frequency if recessive) in Genome Aggregation Database.;Multiple lines of computational evidence support a deleterious effect on the gene or gene product.

Kariminejad - Najmabadi Pathology & Genetics Center
Classification: Likely pathogenic for Wilson disease. Review status: criteria provided, single submitter. Criteria: ACMG Guidelines, 2015. Collection method: clinical testing. Allele origin: germline. Affected: no.

NM_000053.4(ATP7B):c.3671G>A (p.Arg1224Gln)

Gene: ATP7B (ATPase copper transporting beta; minus strand). Cytogenetic location: 13q14.3.
Variant type: single nucleotide variant.
Coding change: c.3671G>A on transcript NM_000053.4 (MANE Select); coding-DNA position 3671, G replaced by A.
Protein change: p.Arg1224Gln; replaces arginine 1224 with glutamine.
Molecular consequence: missense variant.
Genome position (GRCh38, 1-based): chr13:51,939,079, C>T on the plus strand (G>A on the coding strand, the complement: ATP7B is on the minus strand). VCF-style: chr13-51939079-C-T. GRCh37 (hg19) VCF-style: chr13-52513215-C-T.
Other names: c.3050G>A, p.Arg1017Gln (NM_001005918.3); c.3338G>A, p.Arg1113Gln (NM_001243182.2); c.3437G>A, p.Arg1146Gln (NM_001330578.2, NM_001406527.1, NM_001406528.1); c.3419G>A, p.Arg1140Gln (NM_001330579.2, NM_001406531.1, NM_001406532.1); c.3671G>A, p.Arg1224Gln (NM_001406511.1, NM_001406512.1, NM_001406526.1); c.3665G>A, p.Arg1222Gln (NM_001406513.1); c.3638G>A, p.Arg1213Gln (NM_001406514.1); c.3617G>A, p.Arg1206Gln (NM_001406515.1, NM_001406516.1); and 21 more; short protein forms R1030Q, R1075Q, R1113Q, R1144Q, R1213Q, R1222Q, R794Q, R943Q.
Identifiers: ClinVar variation 2136085 (VCV002136085.7), dbSNP rs532177115, ClinGen allele CA6988613.